The following is an entry in ClinVar:

NM_001142854.2(SPATC1L):c.40G>A (p.Glu14Lys)

Gene: SPATC1L (spermatogenesis and centriole associated 1 like; minus strand). Cytogenetic location: 21q22.3.
Variant type: single nucleotide variant.
Coding change: c.40G>A on transcript NM_001142854.2 (MANE Select); coding-DNA position 40, G replaced by A.
Protein change: p.Glu14Lys; replaces glutamic acid 14 with lysine.
Molecular consequence: missense variant. On other transcripts: intron variant (1).
Genome position (GRCh38, 1-based): chr21:46,182,777, C>T on the plus strand (G>A on the coding strand, the complement: SPATC1L is on the minus strand). VCF-style: chr21-46182777-C-T. GRCh37 (hg19) VCF-style: chr21-47602691-C-T.
Other names: c.-270+1579G>A (NM_032261.5); short protein forms E14K.
Identifiers: ClinVar variation 2652810 (VCV002652810.24), dbSNP rs143719440, ClinGen allele CA10074476.
Genomic context (GRCh38, chr21:46,182,777, plus strand): 5'-GCCGCCGCAGCATCTGATTCTCCTTCAGGAGGCGCACCTGCTTCTTCAGGTCCGCGTTCT[C>T]GCTCAGGAGCCGGCTCATCAGCTCGCCGCCTTCAGCCATGGCGGGTGCGTCCCTCCTTGT-3'
Protein context (NP_001136326.1, residues 4-24): GGELMSRLLS[Glu14Lys]NADLKKQVRL

ClinVar aggregate classification (germline): Likely benign (1 of 4 stars; one submission).

Allele frequency attached by ClinVar (database versions not stated): 1000 Genomes Project 30x 0.00156; 1000 Genomes Project 0.00160; TOPMed 0.00292; gnomAD 0.00328; ExAC 0.00460.
gnomAD v4.1: 7,537 of 1,546,608 alleles (0.49%); highest among the groups gnomAD compares: Non-Finnish European, 0.54%; 24 homozygotes.

Submission:

CeGaT Center for Human Genetics Tuebingen
Classification: Likely benign. Last evaluated: 2025-10-01. Review status: criteria provided, single submitter. Criteria: CeGaT Center For Human Genetics Tuebingen Variant Classification Criteria Version 2. Collection method: clinical testing. Allele origin: germline. Affected: yes. Observed: 3 variant alleles.
Comment: SPATC1L: BS2